The following is an entry in ClinVar:

NM_001378454.1(ALMS1):c.3062A>T (p.Tyr1021Phe)

Gene: ALMS1 (ALMS1 centrosome and basal body associated protein; plus strand). Cytogenetic location: 2p13.1.
Variant type: single nucleotide variant.
Coding change: c.3062A>T on transcript NM_001378454.1 (MANE Select); coding-DNA position 3062, A replaced by T.
Protein change: p.Tyr1021Phe; replaces tyrosine 1021 with phenylalanine.
Molecular consequence: missense variant.
Genome position (GRCh38, 1-based): chr2:73,449,589, A>T. VCF-style: chr2-73449589-A-T. GRCh37 (hg19) VCF-style: chr2-73676716-A-T.
Other names: c.3065A>T, p.Tyr1022Phe (NM_015120.4); short protein forms Y1021F, Y1022F.
Identifiers: ClinVar variation 996228 (VCV000996228.9), dbSNP rs574757598, ClinGen allele CA50392130.

ClinVar aggregate classification (germline): Uncertain significance. Review status: criteria provided, multiple submitters, no conflicts (2 of 4 stars). 7 submissions from 7 submitters: Uncertain significance (6). 1 of the submissions does not count toward it. Last evaluated 2025-06-17.

Conditions:
Cardiovascular phenotype. Identifiers: MedGen CN230736.
Alstrom syndrome (ALMS). Identifiers: Orphanet 64, MedGen C0268425, MONDO:0008763, OMIM 203800.

Allele frequency attached by ClinVar (database versions not stated): gnomAD exomes below 0.00001; gnomAD 0.00001 and 0.00002; TOPMed 0.00002; 1000 Genomes Project 30x 0.00016; 1000 Genomes Project 0.00020.
gnomAD v4.1: 12 of 1,614,100 alleles (0.00074%); highest among the groups gnomAD compares: African/African-American, 0.0067%; no homozygotes.

Submissions (7):

Greenwood Genetic Center Diagnostic Laboratories, Greenwood Genetic Center
Classification: Uncertain significance. Last evaluated: 2025-06-17. Review status: criteria provided, single submitter. Criteria: ACMG Guidelines, 2015. Collection method: clinical testing. Allele origin: germline. Affected: yes.
Comment: PM2, BP1, BP4

GeneDx
Classification: Uncertain significance. Last evaluated: 2024-07-24. Review status: criteria provided, single submitter. Criteria: GeneDx Variant Classification Process June 2021. Collection method: clinical testing. Allele origin: germline. Affected: yes.
Comment: Not observed at significant frequency in large population cohorts (gnomAD); In silico analysis indicates that this missense variant does not alter protein structure/function; Has not been previously published as pathogenic or benign to our knowledge

Ambry Genetics
Classification: Uncertain significance for Cardiovascular phenotype. Last evaluated: 2022-05-06. Review status: criteria provided, single submitter. Criteria: Ambry Variant Classification Scheme 2023. Collection method: clinical testing. Allele origin: germline.
Comment: The p.Y1022F variant (also known as c.3065A>T), located in coding exon 8 of the ALMS1 gene, results from an A to T substitution at nucleotide position 3065. The tyrosine at codon 1022 is replaced by phenylalanine, an amino acid with highly similar properties. This amino acid position is poorly conserved in available vertebrate species. In addition, this alteration is predicted to be tolerated by in silico analysis. Since supporting evidence is limited at this time, the clinical significance of this alteration remains unclear.

Fulgent Genetics
Classification: Uncertain significance for Alstrom syndrome. Last evaluated: 2022-02-14. Review status: criteria provided, single submitter. Criteria: ACMG Guidelines, 2015. Collection method: clinical testing. Allele origin: unknown.

Labcorp Genetics (formerly Invitae), Labcorp
Classification: Uncertain significance for Alstrom syndrome. Last evaluated: 2021-08-25. Review status: criteria provided, single submitter. Criteria: Invitae Variant Classification Sherloc (09022015). Collection method: clinical testing. Allele origin: germline.
Comment: This sequence change replaces tyrosine with phenylalanine at codon 1022 of the ALMS1 protein (p.Tyr1022Phe). The tyrosine residue is weakly conserved and there is a small physicochemical difference between tyrosine and phenylalanine. This variant is not present in population databases (ExAC no frequency). This variant has not been reported in the literature in individuals affected with ALMS1-related conditions. ClinVar contains an entry for this variant (Variation ID: 996228). Experimental studies and prediction algorithms are not available or were not evaluated, and the functional significance of this variant is currently unknown. In summary, the available evidence is currently insufficient to determine the role of this variant in disease. Therefore, it has been classified as a Variant of Uncertain Significance.

Women's Health and Genetics/Laboratory Corporation of America, LabCorp
Classification: Uncertain significance. Last evaluated: 2021-01-14. Review status: criteria provided, single submitter. Criteria: LabCorp Variant Classification Summary - May 2015. Collection method: clinical testing. Allele origin: germline.
Comment: Variant summary: ALMS1 c.3059A>T (p.Tyr1020Phe, also known as c.3065A>T p.Tyr1022Phe) results in a conservative amino acid change in the encoded protein sequence. Three of three in-silico tools predict a benign effect of the variant on protein function. The variant allele was found at a frequency of 4e-06 in 248752 control chromosomes. The available data on variant occurrences in the general population are insufficient to allow any conclusion about variant significance. To our knowledge, no occurrence of c.3059A>T in individuals affected with Alstrom Syndrome With Dilated Cardiomyopathy and no experimental evidence demonstrating its impact on protein function have been reported. No clinical diagnostic laboratories have submitted clinical-significance assessments for this variant to ClinVar after 2014. Based on the evidence outlined above, the variant was classified as uncertain significance.

Natera, Inc.
Classification: Uncertain significance for Alstrom syndrome. Last evaluated: 2021-09-28. Review status: no assertion criteria provided. Collection method: clinical testing. Allele origin: germline. Not counted in ClinVar's aggregate classification.